The following is an entry in ClinVar:

ClinVar aggregate classification (germline): Uncertain significance. Review status: criteria provided, multiple submitters, no conflicts (2 of 4 stars). 2 submissions from 2 submitters: Uncertain significance (2). Last evaluated 2025-03-11.

Conditions:
Gastrointestinal stromal tumor. Also called: Gastrointestinal stromal tumor, somatic; Gastrointestinal stroma tumor. Identifiers: Orphanet 44890, MedGen C0238198, MeSH D046152, MONDO:0011719, OMIM 606764, HP:0100723.
Hereditary cancer-predisposing syndrome. Also called: Hereditary neoplastic syndrome; Neoplastic Syndromes, Hereditary; Hereditary Cancer Syndrome; Tumor predisposition. Identifiers: Orphanet 140162, MedGen C0027672, MeSH D009386, MONDO:0015356.

Allele frequency attached by ClinVar (database versions not stated): gnomAD exomes below 0.00001; ExAC 0.00001; gnomAD 0.00001; TOPMed 0.00002.
gnomAD v4.1: 4 of 1,613,462 alleles (0.00025%); highest among the groups gnomAD compares: African/African-American, 0.0013%; no homozygotes.

Submissions (2):

Labcorp Genetics (formerly Invitae), Labcorp
Classification: Uncertain significance for Gastrointestinal stromal tumor. Last evaluated: 2025-03-11. Review status: criteria provided, single submitter. Criteria: Invitae Variant Classification Sherloc (09022015). Collection method: clinical testing. Allele origin: germline.
Comment: This sequence change replaces asparagine, which is neutral and polar, with lysine, which is basic and polar, at codon 986 of the PDGFRA protein (p.Asn986Lys). This variant is present in population databases (rs746381701, gnomAD 0.004%). This variant has not been reported in the literature in individuals affected with PDGFRA-related conditions. ClinVar contains an entry for this variant (Variation ID: 946927). Invitae Evidence Modeling of protein sequence and biophysical properties (such as structural, functional, and spatial information, amino acid conservation, physicochemical variation, residue mobility, and thermodynamic stability) indicates that this missense variant is not expected to disrupt PDGFRA protein function with a negative predictive value of 80%. In summary, the available evidence is currently insufficient to determine the role of this variant in disease. Therefore, it has been classified as a Variant of Uncertain Significance.

Ambry Genetics
Classification: Uncertain significance for Hereditary cancer-predisposing syndrome. Last evaluated: 2024-02-13. Review status: criteria provided, single submitter. Criteria: Ambry Variant Classification Scheme 2023. Collection method: clinical testing. Allele origin: germline.
Comment: The p.N986K variant (also known as c.2958T>G), located in coding exon 21 of the PDGFRA gene, results from a T to G substitution at nucleotide position 2958. The asparagine at codon 986 is replaced by lysine, an amino acid with similar properties. This amino acid position is conserved. In addition, this alteration is predicted to be tolerated by in silico analysis. Since supporting evidence is limited at this time, the clinical significance of this alteration remains unclear.

NM_006206.6(PDGFRA):c.2958T>G (p.Asn986Lys)

Gene: PDGFRA (platelet derived growth factor receptor alpha; plus strand). Cytogenetic location: 4q12.
Variant type: single nucleotide variant.
Coding change: c.2958T>G on transcript NM_006206.6 (MANE Select); coding-DNA position 2958, T replaced by G.
Protein change: p.Asn986Lys; replaces asparagine 986 with lysine.
Molecular consequence: missense variant.
Genome position (GRCh38, 1-based): chr4:54,290,390, T>G. VCF-style: chr4-54290390-T-G. GRCh37 (hg19) VCF-style: chr4-55156557-T-G.
Other names: c.3033T>G, p.Asn1011Lys (NM_001347828.2); c.2958T>G, p.Asn986Lys (NM_001347829.2); c.2997T>G, p.Asn999Lys (NM_001347830.2); short protein forms N1011K, N999K, N986K.
Identifiers: ClinVar variation 946927 (VCV000946927.12), dbSNP rs746381701, ClinGen allele CA2923000.
Genomic context (GRCh38, chr4:54,290,390, plus strand): 5'-CCTGGACTTCCTGAAGAGTGACCATCCTGCTGTGGCACGCATGCGTGTGGACTCAGACAA[T>G]GCATACATTGGTGTCACCTACAAAAACGAGGAAGACAAGCTGAAGGACTGGGAGGGTGGT-3'
Protein context (NP_006197.1, residues 976-996): AVARMRVDSD[Asn986Lys]AYIGVTYKNE